The following is an entry in ClinVar:

NM_004655.4(AXIN2):c.2437G>C (p.Ala813Pro)

Gene: AXIN2 (axin 2; minus strand). Cytogenetic location: 17q24.1.
Variant type: single nucleotide variant.
Coding change: c.2437G>C on transcript NM_004655.4 (MANE Select); coding-DNA position 2437, G replaced by C.
Protein change: p.Ala813Pro; replaces alanine 813 with proline.
Molecular consequence: missense variant.
Genome position (GRCh38, 1-based): chr17:65,530,071, C>G on the plus strand (G>C on the coding strand, the complement: AXIN2 is on the minus strand). VCF-style: chr17-65530071-C-G. GRCh37 (hg19) VCF-style: chr17-63526189-C-G.
Other names: c.2242G>C, p.Ala748Pro (NM_001363813.1); short protein forms A748P, A813P.
Identifiers: ClinVar variation 1383894 (VCV001383894.8), dbSNP rs372420075, ClinGen allele CA400674915.
Genomic context (GRCh38, chr17:65,530,071, plus strand): 5'-CTTCATACATCGGGAGCACCGTCTCATCCTCCCAGATCTCCTCAAACACCGCTCCACAGG[C>G]AAACTCATCGCTTGCTTTTTTGAAGTAATACCTTAAAAGGAAAACCAAAAAAGCTTCTTG-3'
Protein context (NP_004646.3, residues 803-823): YYFKKASDEF[Ala813Pro]CGAVFEEIWE

ClinVar aggregate classification (germline): Uncertain significance (1 of 4 stars; one submission).

Conditions:
Oligodontia-cancer predisposition syndrome. Also called: TOOTH AGENESIS-COLORECTAL CANCER SYNDROME. Identifiers: Orphanet 300576, MedGen C1837750, MONDO:0012075, OMIM 608615. Disease mechanism: loss of function.

Submission:

Labcorp Genetics (formerly Invitae), Labcorp
Classification: Uncertain significance for Oligodontia-cancer predisposition syndrome. Last evaluated: 2022-06-20. Review status: criteria provided, single submitter. Criteria: Invitae Variant Classification Sherloc (09022015). Collection method: clinical testing. Allele origin: germline.
Comment: In summary, the available evidence is currently insufficient to determine the role of this variant in disease. Therefore, it has been classified as a Variant of Uncertain Significance. Algorithms developed to predict the effect of missense changes on protein structure and function are either unavailable or do not agree on the potential impact of this missense change (SIFT: "Tolerated"; PolyPhen-2: "Possibly Damaging"; Align-GVGD: "Class C0"). This variant has not been reported in the literature in individuals affected with AXIN2-related conditions. This variant is not present in population databases (gnomAD no frequency). This sequence change replaces alanine, which is neutral and non-polar, with proline, which is neutral and non-polar, at codon 813 of the AXIN2 protein (p.Ala813Pro).